The following is an entry in ClinVar:

ClinVar aggregate classification (germline): Uncertain significance (1 of 4 stars; one submission).

Conditions:
Hereditary cancer-predisposing syndrome. Also called: Tumor predisposition; Hereditary neoplastic syndrome; Neoplastic Syndromes, Hereditary; Hereditary Cancer Syndrome. Identifiers: Orphanet 140162, MedGen C0027672, MeSH D009386, MONDO:0015356.

Submission:

Ambry Genetics
Classification: Uncertain significance for Hereditary cancer-predisposing syndrome. Last evaluated: 2025-06-12. Review status: criteria provided, single submitter. Criteria: Ambry Variant Classification Scheme 2023. Collection method: clinical testing. Allele origin: germline.
Comment: The p.R977G variant (also known as c.2929C>G), located in coding exon 24 of the EGFR gene, results from a C to G substitution at nucleotide position 2929. The arginine at codon 977 is replaced by glycine, an amino acid with dissimilar properties. This amino acid position is highly conserved in available vertebrate species. In addition, the in silico prediction for this alteration is inconclusive. Based on the available evidence, the clinical significance of this variant remains unclear.

NM_005228.5(EGFR):c.2929C>G (p.Arg977Gly)

Gene: EGFR (epidermal growth factor receptor; plus strand). Cytogenetic location: 7p11.2.
Variant type: single nucleotide variant.
Coding change: c.2929C>G on transcript NM_005228.5 (MANE Select); coding-DNA position 2929, C replaced by G.
Protein change: p.Arg977Gly; replaces arginine 977 with glycine.
Molecular consequence: missense variant.
Genome position (GRCh38, 1-based): chr7:55,200,396, C>G. VCF-style: chr7-55200396-C-G. GRCh37 (hg19) VCF-style: chr7-55268089-C-G.
Other names: c.2794C>G, p.Arg932Gly (NM_001346897.2, NM_001346899.2); c.2929C>G, p.Arg977Gly (NM_001346898.2); c.2770C>G, p.Arg924Gly (NM_001346900.2); c.2128C>G, p.Arg710Gly (NM_001346941.2); short protein forms R710G, R924G, R932G, R977G.
Identifiers: ClinVar variation 4016798 (VCV004016798.1).